The following is an entry in ClinVar:

ClinVar aggregate classification (germline): Uncertain significance. Review status: criteria provided, multiple submitters, no conflicts (2 of 4 stars). 2 submissions from 2 submitters: Uncertain significance (2). Last evaluated 2021-12-30.

Conditions:
Retinitis pigmentosa 71 (RP71). Identifiers: Orphanet 791, MedGen C4225342, MONDO:0014618, OMIM 616394.
Short-rib thoracic dysplasia 10 with or without polydactyly (SRTD10). Identifiers: Orphanet 474, MedGen C3810175, MONDO:0014284, OMIM 615630.
Bardet-Biedl syndrome 20. Identifiers: MedGen C4310707, MONDO:0023670, OMIM 619471, MONDO:0014926.

Allele frequency attached by ClinVar (database versions not stated): TOPMed 0.00001; ExAC 0.00002; gnomAD exomes 0.00002.
gnomAD v4.1: 33 of 1,613,994 alleles (0.002%); highest among the groups gnomAD compares: Non-Finnish European, 0.0027%; no homozygotes.

Submissions (2):

Fulgent Genetics
Classification: Uncertain significance for Short-rib thoracic dysplasia 10 with or without polydactyly; Retinitis pigmentosa 71; Bardet-Biedl syndrome 20. Last evaluated: 2021-12-30. Review status: criteria provided, single submitter. Criteria: ACMG Guidelines, 2015. Collection method: clinical testing. Allele origin: unknown.

Labcorp Genetics (formerly Invitae), Labcorp
Classification: Uncertain significance for Retinitis pigmentosa 71; Short-rib thoracic dysplasia 10 with or without polydactyly. Last evaluated: 2021-08-31. Review status: criteria provided, single submitter. Criteria: Invitae Variant Classification Sherloc (09022015). Collection method: clinical testing. Allele origin: germline.
Comment: This sequence change replaces alanine with aspartic acid at codon 735 of the IFT172 protein (p.Ala735Asp). The alanine residue is moderately conserved and there is a moderate physicochemical difference between alanine and aspartic acid. This variant is present in population databases (rs773174861, ExAC 0.01%). This variant has not been reported in the literature in individuals affected with IFT172-related conditions. Algorithms developed to predict the effect of missense changes on protein structure and function (SIFT, PolyPhen-2, Align-GVGD) all suggest that this variant is likely to be tolerated. In summary, the available evidence is currently insufficient to determine the role of this variant in disease. Therefore, it has been classified as a Variant of Uncertain Significance.

NM_015662.3(IFT172):c.2204C>A (p.Ala735Asp)

Gene: IFT172 (intraflagellar transport 172; minus strand). Cytogenetic location: 2p23.3.
Variant type: single nucleotide variant.
Coding change: c.2204C>A on transcript NM_015662.3 (MANE Select); coding-DNA position 2204, C replaced by A.
Protein change: p.Ala735Asp; replaces alanine 735 with aspartic acid.
Molecular consequence: missense variant.
Genome position (GRCh38, 1-based): chr2:27,461,507, G>T on the plus strand (C>A on the coding strand, the complement: IFT172 is on the minus strand). VCF-style: chr2-27461507-G-T. GRCh37 (hg19) VCF-style: chr2-27684374-G-T.
Other names: short protein forms A735D.
Identifiers: ClinVar variation 476043 (VCV000476043.7), dbSNP rs773174861, ClinGen allele CA1580360.